The following is an entry in ClinVar:

ClinVar aggregate classification (germline): Likely benign. Review status: criteria provided, multiple submitters, no conflicts (2 of 4 stars). 5 submissions from 5 submitters: Likely benign (4). 1 of the submissions does not count toward it. Last evaluated 2025-12-02.

Conditions:
MYO7A-related disorder. Also called: MYO7A-related disorders.

Allele frequency attached by ClinVar (database versions not stated): TOPMed 0.00029; 1000 Genomes Project 30x 0.00031; gnomAD 0.00032; 1000 Genomes Project 0.00040.
gnomAD v4.1: 118 of 1,608,280 alleles (0.0073%); highest among the groups gnomAD compares: African/African-American, 0.099%; no homozygotes.

Submissions (5):

Labcorp Genetics (formerly Invitae), Labcorp
Classification: Likely benign. Last evaluated: 2025-12-02. Review status: criteria provided, single submitter. Criteria: Invitae Variant Classification Sherloc (09022015). Collection method: clinical testing. Allele origin: germline.

Blueprint Genetics
Classification: Likely benign. Last evaluated: 2024-06-13. Review status: criteria provided, single submitter. Criteria: ACMG Guidelines, 2015. Collection method: clinical testing. Allele origin: germline.

CeGaT Center for Human Genetics Tuebingen
Classification: Likely benign. Last evaluated: 2024-06-01. Review status: criteria provided, single submitter. Criteria: CeGaT Center For Human Genetics Tuebingen Variant Classification Criteria Version 2. Collection method: clinical testing. Allele origin: germline. Affected: yes. Observed: 2 variant alleles.
Comment: MYO7A: BP4, BP7

ARUP Laboratories, Molecular Genetics and Genomics, ARUP Laboratories
Classification: Likely benign. Last evaluated: 2017-03-02. Review status: criteria provided, single submitter. Criteria: ARUP Molecular Germline Variant Investigation Process. Collection method: clinical testing. Allele origin: germline.

PreventionGenetics, part of Exact Sciences
Classification: Likely benign for MYO7A-related condition. Last evaluated: 2019-10-28. Review status: no assertion criteria provided. Collection method: clinical testing. Allele origin: germline. Not counted in ClinVar's aggregate classification.
Comment: This variant is classified as likely benign based on ACMG/AMP sequence variant interpretation guidelines (Richards et al. 2015 PMID: 25741868, with internal and published modifications).

NM_000260.4(MYO7A):c.4281G>A (p.Thr1427=)

Gene: MYO7A (myosin VIIA; plus strand). Cytogenetic location: 11q13.5.
Variant type: single nucleotide variant.
Coding change: c.4281G>A on transcript NM_000260.4 (MANE Select); coding-DNA position 4281, G replaced by A.
Protein change: p.Thr1427=; no amino-acid change (threonine 1427 retained).
Molecular consequence: synonymous variant.
Genome position (GRCh38, 1-based): chr11:77,194,482, G>A. VCF-style: chr11-77194482-G-A. GRCh37 (hg19) VCF-style: chr11-76905527-G-A.
Other names: c.4281G>A, p.Thr1427= (NM_001127180.2); c.4248G>A, p.Thr1416= (NM_001369365.1).
Identifiers: ClinVar variation 439961 (VCV000439961.44), dbSNP rs185607254, ClinGen allele CA6198396.